The following is an entry in ClinVar:

NM_000218.3(KCNQ1):c.535G>T (p.Gly179Cys)

Gene: KCNQ1 (potassium voltage-gated channel subfamily Q member 1; plus strand). Cytogenetic location: 11p15.5.
Variant type: single nucleotide variant.
Coding change: c.535G>T on transcript NM_000218.3 (MANE Select); coding-DNA position 535, G replaced by T.
Protein change: p.Gly179Cys; replaces glycine 179 with cysteine.
Molecular consequence: missense variant. On other transcripts: intron variant (1).
Genome position (GRCh38, 1-based): chr11:2,570,685, G>T. VCF-style: chr11-2570685-G-T. GRCh37 (hg19) VCF-style: chr11-2591915-G-T.
Other names: c.535G>T, p.Gly179Cys (NM_001406836.1); c.265G>T, p.Gly89Cys (NM_001406837.1); c.154G>T, p.Gly52Cys (NM_181798.2); c.478-12750G>T (NM_001406838.1); short protein forms G179C, G52C, G89C.
Identifiers: ClinVar variation 4850108 (VCV004850108.1).

ClinVar aggregate classification (germline): Uncertain significance (1 of 4 stars; one submission).

Conditions:
Long QT syndrome 1 (LQT1). Identifiers: Orphanet 101016, Orphanet 768, MedGen C4551647, MONDO:0100316, OMIM 192500, MONDO:0008646.

Submission:

KardioGenetik, Herz- und Diabeteszentrum NRW
Classification: Uncertain significance for Long QT syndrome 1. Last evaluated: 2026-04-15. Review status: criteria provided, single submitter. Criteria: ACMG Guidelines, 2015. Collection method: clinical testing. Allele origin: unknown. Observed: 1 variant allele.
Comment: The pathogenicity of this variant is supported by its absence from general population cohorts, according to the gnomAD database, as well as by the evaluation of the amino acid substitution Gly179Cys using the bioinformatic meta-prediction tool REVEL, which clearly classifies it as “deleterious.” Furthermore, the variant is located within the pore region of the ion channel, and other substitutions affecting the same amino acid position (Gly179Arg, Gly179Ser) have been assessed as at least likely pathogenic. However, no functional studies or literature are available for the present variant c.535G>T p.(Gly179Cys); therefore, it is classified as a variant of uncertain clinical significance. (PM2_supporting, PP3)